The following is an entry in ClinVar:

ClinVar aggregate classification (germline): Likely pathogenic. Review status: criteria provided, single submitter (1 of 4 stars). 2 submissions from 2 submitters: Likely pathogenic (1). 1 of the submissions does not count toward it. Last evaluated 2024-03-03.

Conditions:
Tan-Almurshedi syndrome (TANALS). Identifiers: MedGen C5882727, MONDO:0957990, OMIM 620641.

gnomAD v4.1: 1 of 1,613,418 alleles (0.000062%); highest among the groups gnomAD compares: Non-Finnish European, 0.000085%; no homozygotes.

Submissions (2):

SIB Swiss Institute of Bioinformatics
Classification: Likely pathogenic for Tan-Almurshedi syndrome. Last evaluated: 2024-03-03. Review status: criteria provided, single submitter. Criteria: ACMG Guidelines, 2015. Collection method: curation. Allele origin: unknown. Affected: yes.
Comment: This variant is interpreted for Tan-Almurshedi syndrome, autosomal recessive. The following ACMG Tag(s) were applied: Absent from controls (or at extremely low frequency if recessive) in gnomAD (PM2). Predicted nullvariant in a gene where LOF is a known mechanism of disease (PVS1-strong).

OMIM
Classification: Pathogenic for TAN-ALMURSHEDI SYNDROME. Last evaluated: 2023-12-07. Review status: no assertion criteria provided. Collection method: literature only. Allele origin: germline. Not counted in ClinVar's aggregate classification.

Literature cited by the submitters: PubMed 37179472 (cited by SIB Swiss Institute of Bioinformatics); Westrip, C. A. E., Paul, F., Al-Murshedi, F., Qaitoon, H., Cham, B., Fletcher, S. C., Hendrix, E., Boora, U., Ng, A. Y. J., Bonnard, C., Najafi, M., Alawbathani, S., Lambert, I., Fox, G., Venkatesh, B., Bertoli-Avella, A., Tan, E. S., Al-Maawali, A., Reversade, B., Coleman, M. L. Inactivation of DRG1, encoding a translation factor GTPase, causes a recessive neurodevelopmental disorder. Genet. Med. 25: 100893, 2023. (cited by OMIM).

NM_004147.4(DRG1):c.418C>T (p.Arg140Ter)

Gene: DRG1 (developmentally regulated GTP binding protein 1; plus strand). Cytogenetic location: 22q12.2.
Variant type: single nucleotide variant.
Coding change: c.418C>T on transcript NM_004147.4 (MANE Select); coding-DNA position 418, C replaced by T.
Protein change: p.Arg140Ter; replaces arginine 140 with a stop codon.
Molecular consequence: nonsense.
Genome position (GRCh38, 1-based): chr22:31,420,261, C>T. VCF-style: chr22-31420261-C-T. GRCh37 (hg19) VCF-style: chr22-31816247-C-T.
Other names: short protein forms R140*.
Identifiers: ClinVar variation 2664495 (VCV002664495.3), dbSNP rs1459583728, ClinGen allele CA411261799.
Genomic context (GRCh38, chr22:31,420,261, plus strand): 5'-GGTTAGTTAAGGCTTTATTGAACTTTCTTGCGTATGTTTTTTTCTTACTCTTCAGTGGCC[C>T]GAACCTGTAACTTGATCTTGATTGTTCTGGATGTCCTGAAACCTTTGGGACATAAGAAGA-3'